The following is an entry in ClinVar:

NC_000009.12:g.35658048del

Gene: RMRP (RNA component of mitochondrial RNA processing endoribonuclease; minus strand). Cytogenetic location: 9p13.3.
Variant type: Deletion.
Genome position: GRCh38 VCF-style: chr9-35658047-TA-T. GRCh37 (hg19) VCF-style: chr9-35658044-TA-T.
Identifiers: ClinVar variation 1987666 (VCV001987666.3), dbSNP rs2490604659, ClinGen allele CA2580080484.

ClinVar aggregate classification (germline): Uncertain significance (1 of 4 stars; one submission).

Conditions:
Anauxetic dysplasia. Identifiers: Orphanet 93347, MedGen C1846796, MONDO:0011773.

Submission:

Labcorp Genetics (formerly Invitae), Labcorp
Classification: Uncertain significance for Anauxetic dysplasia. Last evaluated: 2025-01-20. Review status: criteria provided, single submitter. Criteria: Invitae Variant Classification Sherloc (09022015). Collection method: clinical testing. Allele origin: germline.
Comment: This variant occurs in the RMRP gene, which encodes an RNA molecule that does not result in a protein product. This variant is not present in population databases (gnomAD no frequency). This variant has not been reported in the literature in individuals affected with RMRP-related conditions. Experimental studies and prediction algorithms are not available or were not evaluated, and the functional significance of this variant is currently unknown. In summary, the available evidence is currently insufficient to determine the role of this variant in disease. Therefore, it has been classified as a Variant of Uncertain Significance.